The following is an entry in ClinVar:

ClinVar aggregate classification (germline): Uncertain significance (1 of 4 stars; one submission).

Submission:

CeGaT Center for Human Genetics Tuebingen
Classification: Uncertain significance. Last evaluated: 2024-04-01. Review status: criteria provided, single submitter. Criteria: CeGaT Center For Human Genetics Tuebingen Variant Classification Criteria Version 2. Collection method: clinical testing. Allele origin: germline. Affected: yes. Observed: 1 variant allele.
Comment: TENM4: PM2

NM_001098816.3(TENM4):c.337T>C (p.Ser113Pro)

Gene: TENM4 (teneurin transmembrane protein 4; minus strand). Cytogenetic location: 11q14.1.
Variant type: single nucleotide variant.
Coding change: c.337T>C on transcript NM_001098816.3 (MANE Select); coding-DNA position 337, T replaced by C.
Protein change: p.Ser113Pro; replaces serine 113 with proline.
Molecular consequence: missense variant.
Genome position (GRCh38, 1-based): chr11:79,064,894, A>G on the plus strand (T>C on the coding strand, the complement: TENM4 is on the minus strand). VCF-style: chr11-79064894-A-G. GRCh37 (hg19) VCF-style: chr11-78775939-A-G.
Other names: short protein forms S113P.
Identifiers: ClinVar variation 3234826 (VCV003234826.20), dbSNP rs2495694364, ClinGen allele CA382185490.